The following is an entry in ClinVar:

NM_005120.3(MED12):c.2867A>G (p.Lys956Arg)

Gene: MED12 (mediator complex subunit 12; plus strand). Cytogenetic location: Xq13.1.
Variant type: single nucleotide variant.
Coding change: c.2867A>G on transcript NM_005120.3 (MANE Select); coding-DNA position 2867, A replaced by G.
Protein change: p.Lys956Arg; replaces lysine 956 with arginine.
Molecular consequence: missense variant.
Genome position (GRCh38, 1-based): chrX:71,127,353, A>G. VCF-style: chrX-71127353-A-G. GRCh37 (hg19) VCF-style: chrX-70347203-A-G.
Other names: short protein forms K956R.
Identifiers: ClinVar variation 588553 (VCV000588553.7), dbSNP rs1569481527, ClinGen allele CA413516436.
Genomic context (GRCh38, chrX:71,127,353, plus strand): 5'-GCATACCATCTGCTGACCCTCCCAACCTTGCTTCTTCATGCAGGCTGTGTGGCGTCGTGA[A>G]GCATGGGATGAACCGGTCCGATGGCTCCTCTGCAGAGCGCTGTATCCTTGCTTATCTCTA-3'
Protein context (NP_005111.2, residues 946-966): QVFEGLCGVV[Lys956Arg]HGMNRSDGSS

ClinVar aggregate classification (germline): Uncertain significance. Review status: criteria provided, multiple submitters, no conflicts (2 of 4 stars). 3 submissions from 3 submitters: Uncertain significance (2). 1 of the submissions does not count toward it. Last evaluated 2024-10-14.

Conditions:
Familial thoracic aortic aneurysm and aortic dissection (TAAD). Also called: Thoracic aortic aneurysms and dissections. Identifiers: Orphanet 91387, MedGen C4707243, MONDO:0019625.
FG syndrome 1 (OKS). Also called: FG Syndrome Type 1 (FGS1); MENTAL RETARDATION, LARGE HEAD, IMPERFORATE ANUS, CONGENITAL HYPOTONIA, AND PARTIAL AGENESIS OF CORPUS CALLOSUM; OPITZ-KAVEGGIA SYNDROME; KELLER SYNDROME. Identifiers: Orphanet 93932, MedGen C5399762, MONDO:0010590, OMIM 305450.

Submissions (3):

GeneDx
Classification: Uncertain significance. Last evaluated: 2024-10-14. Review status: criteria provided, single submitter. Criteria: GeneDx Variant Classification Process June 2021. Collection method: clinical testing. Allele origin: germline. Affected: yes.
Comment: Not observed at significant frequency in large population cohorts (gnomAD); In silico analysis indicates that this missense variant does not alter protein structure/function; Has not been previously published as pathogenic or benign to our knowledge

Ambry Genetics
Classification: Uncertain significance for Familial thoracic aortic aneurysm and aortic dissection. Last evaluated: 2016-12-14. Review status: criteria provided, single submitter. Criteria: Ambry Variant Classification Scheme 2023. Collection method: clinical testing. Allele origin: germline.
Comment: The p.K956R variant (also known as c.2867A>G), located in coding exon 21 of the MED12 gene, results from an A to G substitution at nucleotide position 2867. The lysine at codon 956 is replaced by arginine, an amino acid with highly similar properties. This amino acid position is highly conserved in available vertebrate species. In addition, the in silico prediction for this alteration is inconclusive. Since supporting evidence is limited at this time, the clinical significance of this alteration remains unclear.

Hong-Tao Li Lab, Institute of Brain Science and Brain-inspired Research, Shandong First Medical University & Shandong Academy of Medical Sciences China
Classification: Uncertain significance for FG syndrome 1. Review status: no assertion criteria provided. Collection method: research. Allele origin: germline. Inheritance: X-linked recessive inheritance. Affected: yes. Observed: 1 variant allele, 1 hemizygote. Not counted in ClinVar's aggregate classification.
Comment: Observed in affected individuals from a Pakistani neurodevelopmental-disorder research cohort of 263 individuals. Classification assigned using the ACMG/AMP framework.